The following is an entry in ClinVar:

ClinVar aggregate classification (germline): Likely benign. Review status: reviewed by expert panel (3 of 4 stars). 11 submissions from 11 submitters: Likely benign (1). 10 of the submissions do not count toward it. Last evaluated 2023-08-17.

Conditions:
CDH1-related disorder. Also called: CDH1-related condition.
CDH1-related diffuse gastric and lobular breast cancer syndrome. Also called: CDH1-related diffuse gastric and lobular breast cancer. Identifiers: MedGen CN311521, MONDO:0100488.
Hereditary cancer-predisposing syndrome. Also called: Tumor predisposition; Hereditary Cancer Syndrome; Neoplastic Syndromes, Hereditary; Hereditary neoplastic syndrome. Identifiers: Orphanet 140162, MedGen C0027672, MeSH D009386, MONDO:0015356.
Hereditary diffuse gastric adenocarcinoma (HDGC). Also called: DIFFUSE GASTRIC AND LOBULAR BREAST CANCER SYNDROME. Identifiers: Orphanet 26106, MedGen C1708349, MONDO:0007648, OMIM 137215.

Allele frequency attached by ClinVar (database versions not stated): gnomAD exomes 0.00002 and 0.00003; gnomAD 0.00003; TOPMed 0.00003; ExAC 0.00006.
gnomAD v4.1: 31 of 1,544,324 alleles (0.002%); highest among the groups gnomAD compares: Admixed American, 0.002%; 1 homozygote.

Submissions (11):

Clingen Gastric Cancer Variant Curation Expert Panel
Classification: Likely benign for CDH1-related diffuse gastric and lobular breast cancer syndrome. Last evaluated: 2023-08-17. Review status: reviewed by expert panel. Criteria: ClinGen CDH1 ACMG Specifications V3.1. Collection method: curation. Allele origin: germline. Inheritance: Autosomal dominant inheritance.
Comment: The c.160A>G (p.Arg54Gly) missense variant has a frequency of 0.00002737 (5 of 182,668) in the gnomAD v2.1.1 cohort, with a maximum non-founder allele frequency of 0.00004080 (3 of 73,538) in the non-Finnish European subpopulation. This variant has been observed in >50 individuals without DGC, SRC tumours or LBC and whose families do not suggest HDGC (BS2; SCV000183777.5, SCV000545364.6, SCV000210888.14). In summary, the clinical significance of this variant is classified as likely benign based on BS2 alone. ACMG/AMP criteria applied, as specified by the CDH1 Variant Curation Expert Panel (Variant Interpretation Guidelines Version 3.1): BS2.

Labcorp Genetics (formerly Invitae), Labcorp
Classification: Likely benign for Hereditary diffuse gastric adenocarcinoma. Last evaluated: 2026-02-03. Review status: criteria provided, single submitter. Criteria: Invitae Variant Classification Sherloc (09022015). Collection method: clinical testing. Allele origin: germline. Not counted in ClinVar's aggregate classification.

Center for Genomic Medicine, Rigshospitalet, Copenhagen University Hospital
Classification: Likely benign. Last evaluated: 2025-03-04. Review status: criteria provided, single submitter. Criteria: ACMG Guidelines, 2015. Collection method: clinical testing. Allele origin: germline. Not counted in ClinVar's aggregate classification.

Quest Diagnostics Nichols Institute San Juan Capistrano
Classification: Uncertain significance. Last evaluated: 2025-02-14. Review status: criteria provided, single submitter. Criteria: Quest Diagnostics criteria. Collection method: clinical testing. Allele origin: unknown. Not counted in ClinVar's aggregate classification.
Comment: The CDH1 c.160A>G (p.Arg54Gly) variant has been reported in the published literature in individuals with personal and/or family history of breast cancer (PMIDs: 25186627 (2015), 28202063 (2017)) and other CDH1-associated cancer (PMID: 36436516 (2023)). The frequency of this variant in the general population (Genome Aggregation Database) is uninformative in the assessment of its pathogenicity. Analysis of this variant using bioinformatics tools for the prediction of the effect of amino acid changes on protein structure and function yielded predictions that this variant is benign. Based on the available information, we are unable to determine the clinical significance of this variant.

Color Diagnostics, LLC DBA Color Health
Classification: Likely benign for Hereditary cancer-predisposing syndrome. Last evaluated: 2024-08-06. Review status: criteria provided, single submitter. Criteria: ACMG Guidelines, 2015. Collection method: clinical testing. Allele origin: germline. Not counted in ClinVar's aggregate classification.

Department of Pathology and Laboratory Medicine, Sinai Health System
Classification: Likely benign for CDH1-related diffuse gastric and lobular breast cancer syndrome. Last evaluated: 2024-05-21. Review status: criteria provided, single submitter. Criteria: ACMG Guidelines, 2015. Collection method: clinical testing. Allele origin: germline. Affected: no. Not counted in ClinVar's aggregate classification.

Blueprint Genetics
Classification: Uncertain significance. Last evaluated: 2023-03-31. Review status: criteria provided, single submitter. Criteria: ACMG Guidelines, 2015. Collection method: clinical testing. Allele origin: germline. Not counted in ClinVar's aggregate classification.

GeneDx
Classification: Uncertain significance. Last evaluated: 2023-02-16. Review status: criteria provided, single submitter. Criteria: GeneDx Variant Classification Process June 2021. Collection method: clinical testing. Allele origin: germline. Affected: yes. Not counted in ClinVar's aggregate classification.
Comment: Not observed at significant frequency in large population cohorts (gnomAD); In silico analysis supports that this missense variant has a deleterious effect on protein structure/function; Observed in individuals with a personal or family history including breast or ovarian cancer (Tung et al., 2015; Jalkh et al., 2017); This variant is associated with the following publications: (PMID: 24908143, 28202063, 28873162, 25186627, 15235021)

European Reference Network on Genetic Tumour Risk Syndromes (ERN-GENTURIS), i3s - Instituto de Investigação e Inovação em Saúde, University of Porto
Classification: Uncertain significance for Hereditary diffuse gastric adenocarcinoma. Last evaluated: 2022-08-01. Review status: criteria provided, single submitter. Criteria: Lee et al. (Hum Mutat. 2018). Collection method: clinical testing. Allele origin: germline. Inheritance: Autosomal dominant inheritance. Affected: yes. Study: ERN GENTURIS. Not counted in ClinVar's aggregate classification.
Comment: BS2_Supporting (PMID: 30311375)

Ambry Genetics
Classification: Likely benign for Hereditary cancer-predisposing syndrome. Last evaluated: 2021-12-21. Review status: criteria provided, single submitter. Criteria: Ambry Variant Classification Scheme 2023. Collection method: clinical testing. Allele origin: germline. Not counted in ClinVar's aggregate classification.

PreventionGenetics, part of Exact Sciences
Classification: Likely benign for CDH1-related condition. Last evaluated: 2024-06-06. Review status: no assertion criteria provided. Collection method: clinical testing. Allele origin: germline. Not counted in ClinVar's aggregate classification.
Comment: This variant is classified as likely benign based on ACMG/AMP sequence variant interpretation guidelines (Richards et al. 2015 PMID: 25741868, with internal and published modifications).

Literature cited by the submitters: PubMed 25186627 (cited by 3 submitters); PubMed 36436516 (cited by 3 submitters); PubMed 28202063 (cited by 3 submitters).

NM_004360.5(CDH1):c.160A>G (p.Arg54Gly)

Gene: CDH1 (cadherin 1; plus strand). Cytogenetic location: 16q22.1.
Variant type: single nucleotide variant.
Coding change: c.160A>G on transcript NM_004360.5 (MANE Select); coding-DNA position 160, A replaced by G.
Protein change: p.Arg54Gly; replaces arginine 54 with glycine.
Molecular consequence: missense variant. On other transcripts: 5 prime UTR variant (2).
Genome position (GRCh38, 1-based): chr16:68,738,408, A>G. VCF-style: chr16-68738408-A-G. GRCh37 (hg19) VCF-style: chr16-68772311-A-G.
Other names: p.R54G:AGA>GGA; NM_004360.5(CDH1):c.160A>G; p.Arg54Gly; c.160A>G (LRG_301t1); c.160A>G, p.Arg54Gly (NM_001317184.2); c.-1456A>G (NM_001317185.2); c.-1660A>G (NM_001317186.2); short protein forms R54G.
Identifiers: ClinVar variation 140862 (VCV000140862.32), dbSNP rs587781329, ClinGen allele CA293951.